The following is an entry in ClinVar:

NM_022051.3(EGLN1):c.1097T>A (p.Phe366Tyr)

Gene: EGLN1 (egl-9 family hypoxia inducible factor 1; minus strand). Cytogenetic location: 1q42.2.
Variant type: single nucleotide variant.
Coding change: c.1097T>A on transcript NM_022051.3 (MANE Select); coding-DNA position 1097, T replaced by A.
Protein change: p.Phe366Tyr; replaces phenylalanine 366 with tyrosine.
Molecular consequence: missense variant. On other transcripts: intron variant (1).
Genome position (GRCh38, 1-based): chr1:231,370,613, A>T on the plus strand (T>A on the coding strand, the complement: EGLN1 is on the minus strand). VCF-style: chr1-231370613-A-T. GRCh37 (hg19) VCF-style: chr1-231506359-A-T.
Other names: c.1097T>A, p.Phe366Tyr (NM_001377260.1); c.1012-2977T>A (NM_001377261.1); short protein forms F366Y.
Identifiers: ClinVar variation 1791015 (VCV001791015.2), dbSNP rs2527228322, ClinGen allele CA345240279.

ClinVar aggregate classification (germline): Uncertain significance (1 of 4 stars; one submission).

Submission:

Ambry Genetics
Classification: Uncertain significance. Last evaluated: 2022-07-28. Review status: criteria provided, single submitter. Criteria: Ambry Variant Classification Scheme 2023. Collection method: clinical testing. Allele origin: germline.
Comment: The p.F366Y variant (also known as c.1097T>A), located in coding exon 3 of the EGLN1 gene, results from a T to A substitution at nucleotide position 1097. The phenylalanine at codon 366 is replaced by tyrosine, an amino acid with highly similar properties. This amino acid position is conserved. In addition, the in silico prediction for this alteration is inconclusive. Since supporting evidence is limited at this time, the clinical significance of this alteration remains unclear.